The following is an entry in ClinVar:

ClinVar aggregate classification (germline): Uncertain significance (1 of 4 stars; one submission).

Conditions:
Primary dilated cardiomyopathy (DCM). Also called: Dilated Cardiomyopathy. Identifiers: Orphanet 217604, MedGen C0007193, MeSH D002311, MONDO:0005021, HP:0001644. Inheritance: Various modes of inheritance.

Submission:

Labcorp Genetics (formerly Invitae), Labcorp
Classification: Uncertain significance for Primary dilated cardiomyopathy. Last evaluated: 2026-01-26. Review status: criteria provided, single submitter. Criteria: Invitae Variant Classification Sherloc (09022015). Collection method: clinical testing. Allele origin: germline.
Comment: This sequence change replaces glycine, which is neutral and non-polar, with serine, which is neutral and polar, at codon 978 of the NEBL protein (p.Gly978Ser). This variant is not present in population databases (gnomAD no frequency). This variant has not been reported in the literature in individuals affected with NEBL-related conditions. ClinVar contains an entry for this variant (Variation ID: 971700). An algorithm developed to predict the effect of missense changes on protein structure and function (PolyPhen-2) suggests that this variant is likely to be disruptive. In summary, the available evidence is currently insufficient to determine the role of this variant in disease. Therefore, it has been classified as a Variant of Uncertain Significance.

NM_006393.3(NEBL):c.2932G>A (p.Gly978Ser)

Gene: NEBL (nebulette; minus strand). Cytogenetic location: 10p12.31.
Variant type: single nucleotide variant.
Coding change: c.2932G>A on transcript NM_006393.3 (MANE Select); coding-DNA position 2932, G replaced by A.
Protein change: p.Gly978Ser; replaces glycine 978 with serine.
Molecular consequence: missense variant. On other transcripts: 3 prime UTR variant (1).
Genome position (GRCh38, 1-based): chr10:20,785,860, C>T on the plus strand (G>A on the coding strand, the complement: NEBL is on the minus strand). VCF-style: chr10-20785860-C-T. GRCh37 (hg19) VCF-style: chr10-21074789-C-T.
Other names: c.*23G>A (NM_001173484.2); c.793G>A, p.Gly265Ser (NM_001377322.1); c.652G>A, p.Gly218Ser (NM_001377323.1); c.643G>A, p.Gly215Ser (NM_001377324.1); c.634G>A, p.Gly212Ser (NM_001377325.1); c.592G>A, p.Gly198Ser (NM_001377326.1, NM_001377327.1, NM_001377328.1); c.700G>A, p.Gly234Ser (NM_213569.2); short protein forms G218S, G978S, G215S, G198S, G212S, G234S, G265S.
Identifiers: ClinVar variation 971700 (VCV000971700.10), dbSNP rs1835362564, ClinGen allele CA376092233.